The following is an entry in ClinVar:

NM_001458.5(FLNC):c.7099G>A (p.Gly2367Ser)

Genes: FLNC (filamin C; plus strand), FLNC-AS1 (FLNC antisense RNA 1; minus strand). Cytogenetic location: 7q32.1.
Variant type: single nucleotide variant.
Coding change: c.7099G>A on transcript NM_001458.5 (MANE Select); coding-DNA position 7099, G replaced by A.
Protein change: p.Gly2367Ser; replaces glycine 2367 with serine.
Molecular consequence: missense variant.
Genome position (GRCh38, 1-based): chr7:128,854,876, G>A. VCF-style: chr7-128854876-G-A. GRCh37 (hg19) VCF-style: chr7-128494930-G-A.
Other names: c.7000G>A, p.Gly2334Ser (NM_001127487.2); short protein forms G2334S, G2367S.
Identifiers: ClinVar variation 2928913 (VCV002928913.4), dbSNP rs2536666081, ClinGen allele CA369215279.

ClinVar aggregate classification (germline): Uncertain significance. Review status: criteria provided, multiple submitters, no conflicts (2 of 4 stars). 2 submissions from 2 submitters: Uncertain significance (2). Last evaluated 2024-08-28.

Conditions:
Cardiovascular phenotype. Identifiers: MedGen CN230736.
Hypertrophic cardiomyopathy 26. Also called: Cardiomyopathy, familial hypertrophic, 26. Identifiers: Orphanet 75249, MedGen C4310749, MONDO:0014883, OMIM 617047.
Myofibrillar myopathy 5. Also called: Filaminopathy (type); FILAMINOPATHY, AUTOSOMAL DOMINANT. Identifiers: Orphanet 171445, MedGen C1836050, MONDO:0012289, OMIM 609524.
Distal myopathy with posterior leg and anterior hand involvement. Also called: WILLIAMS DISTAL MYOPATHY. Identifiers: Orphanet 63273, MedGen C3279722, MONDO:0013550, OMIM 614065.

Submissions (2):

Ambry Genetics
Classification: Uncertain significance for Cardiovascular phenotype. Last evaluated: 2024-08-28. Review status: criteria provided, single submitter. Criteria: Ambry Variant Classification Scheme 2023. Collection method: clinical testing. Allele origin: germline.
Comment: The p.G2367S variant (also known as c.7099G>A), located in coding exon 42 of the FLNC gene, results from a G to A substitution at nucleotide position 7099. The glycine at codon 2367 is replaced by serine, an amino acid with similar properties. This amino acid position is conserved. In addition, this alteration is predicted to be deleterious by in silico analysis. Based on the available evidence, the clinical significance of this variant remains unclear.

Labcorp Genetics (formerly Invitae), Labcorp
Classification: Uncertain significance for Distal myopathy with posterior leg and anterior hand involvement; Myofibrillar myopathy 5; Hypertrophic cardiomyopathy 26. Last evaluated: 2023-04-17. Review status: criteria provided, single submitter. Criteria: Invitae Variant Classification Sherloc (09022015). Collection method: clinical testing. Allele origin: germline.
Comment: This variant has not been reported in the literature in individuals affected with FLNC-related conditions. This sequence change replaces glycine, which is neutral and non-polar, with serine, which is neutral and polar, at codon 2367 of the FLNC protein (p.Gly2367Ser). This variant is not present in population databases (gnomAD no frequency). An algorithm developed to predict the effect of missense changes on protein structure and function (PolyPhen-2) suggests that this variant is likely to be disruptive. In summary, the available evidence is currently insufficient to determine the role of this variant in disease. Therefore, it has been classified as a Variant of Uncertain Significance.